The following is an entry in ClinVar:

NM_001042492.3(NF1):c.7055A>G (p.Asn2352Ser)

Gene: NF1 (neurofibromin 1; plus strand). Cytogenetic location: 17q11.2.
Variant type: single nucleotide variant.
Coding change: c.7055A>G on transcript NM_001042492.3 (MANE Select); coding-DNA position 7055, A replaced by G.
Protein change: p.Asn2352Ser; replaces asparagine 2352 with serine.
Molecular consequence: missense variant.
Genome position (GRCh38, 1-based): chr17:31,340,638, A>G. VCF-style: chr17-31340638-A-G. GRCh37 (hg19) VCF-style: chr17-29667656-A-G.
Other names: c.6992A>G, p.Asn2331Ser (NM_000267.4); short protein forms N2352S, N2331S.
Identifiers: ClinVar variation 219867 (VCV000219867.20), dbSNP rs763082717, ClinGen allele CA350500.

ClinVar aggregate classification (germline): Conflicting classifications of pathogenicity. Review status: criteria provided, conflicting classifications (1 of 4 stars). 8 submissions from 8 submitters: Uncertain significance (5); Likely benign (2). 1 of the submissions does not count toward it. Last evaluated 2025-10-27.

Conditions:
Hereditary cancer-predisposing syndrome. Also called: Tumor predisposition; Hereditary neoplastic syndrome; Neoplastic Syndromes, Hereditary; Hereditary Cancer Syndrome. Identifiers: Orphanet 140162, MedGen C0027672, MeSH D009386, MONDO:0015356.
Cardiovascular phenotype. Identifiers: MedGen CN230736.
NF1-related disorder. Also called: NF1-related condition. Identifiers: MedGen CN379171.
Neurofibromatosis-Noonan syndrome (NFNS). Also called: NEUROFIBROMATOSIS WITH NOONAN PHENOTYPE. Identifiers: Orphanet 638, MedGen C2931482, MONDO:0011035, OMIM 601321. Disease mechanism: loss of function.
Café-au-lait macules with pulmonary stenosis (WTSN). Also called: PULMONIC STENOSIS WITH CAFE-AU-LAIT SPOTS. Identifiers: MedGen C0553586, MONDO:0008672, OMIM 193520.
Neurofibromatosis, familial spinal (FSNF). Identifiers: Orphanet 636, MedGen C1834235, MONDO:0008078, OMIM 162210. Disease mechanism: loss of function.
Juvenile myelomonocytic leukemia (JMML). Also called: LEUKEMIA, JUVENILE MYELOMONOCYTIC, SOMATIC. Identifiers: Orphanet 86834, MedGen C0349639, MONDO:0011908, OMIM 607785, HP:0012209.
Neurofibromatosis, type 1 (NF1). Also called: Peripheral type neurofibromatosis; NEUROFIBROMATOSIS, TYPE I, SOMATIC; Neurofibromatosis, type I; VON RECKLINGHAUSEN DISEASE. Identifiers: Orphanet 636, MedGen C0027831, MONDO:0018975, OMIM 162200. Disease mechanism: loss of function.

Allele frequency attached by ClinVar (database versions not stated): ExAC 0.00001; gnomAD exomes 0.00001 and 0.00002.
gnomAD v4.1: 8 of 1,614,142 alleles (0.0005%); highest among the groups gnomAD compares: Non-Finnish European, 0.00068%; no homozygotes.

Submissions (8):

Labcorp Genetics (formerly Invitae), Labcorp
Classification: Likely benign for Neurofibromatosis, type 1. Last evaluated: 2025-10-27. Review status: criteria provided, single submitter. Criteria: Invitae Variant Classification Sherloc (09022015). Collection method: clinical testing. Allele origin: germline.

Quest Diagnostics Nichols Institute San Juan Capistrano
Classification: Uncertain significance. Last evaluated: 2024-12-09. Review status: criteria provided, single submitter. Criteria: Quest Diagnostics criteria. Collection method: clinical testing. Allele origin: unknown.

Ambry Genetics
Classification: Likely benign for Cardiovascular phenotype; Hereditary cancer-predisposing syndrome. Last evaluated: 2023-01-05. Review status: criteria provided, single submitter. Criteria: Ambry Variant Classification Scheme 2023. Collection method: clinical testing. Allele origin: germline.

Genome-Nilou Lab
Classification: Uncertain significance for Neurofibromatosis, type 1. Last evaluated: 2022-03-15. Review status: criteria provided, single submitter. Criteria: ACMG Guidelines, 2015. Collection method: clinical testing. Allele origin: germline. Affected: no.

Sema4
Classification: Uncertain significance for Hereditary cancer-predisposing syndrome. Last evaluated: 2022-01-25. Review status: criteria provided, single submitter. Criteria: Sema4 Curation Guidelines. Collection method: curation. Allele origin: germline.
Comment: The NF1 c.6992A>G (p.N2331S) variant has been reported in heterozygosity in at least 2 individuals with breast cancer or Cowden-like syndrome (PMID: 30287823, 29684080). It has been reported in a large case-control study of breast cancer in 1/60466 cases and 3/53461 controls (PMID: 33471991). It was observed in 5/113722 chromosomes in the Non-Finnish European subpopulation according to the Genome Aggregation Database (PMID: 32461654). This variant has been reported in ClinVar (Variation ID: 219867). Functional studies have not been performed, and in silico predictions of the variant's effect on protein function are inconclusive. The evidence is insufficient to meet ACMG/AMP criteria for classifying the variant as benign or pathogenic. Thus, the clinical significance of this variant is currently uncertain.

Institute for Clinical Genetics, University Hospital TU Dresden, University Hospital TU Dresden
Classification: Uncertain significance. Last evaluated: 2021-11-03. Review status: criteria provided, single submitter. Criteria: ACMG Guidelines, 2015. Collection method: clinical testing. Allele origin: germline.

Fulgent Genetics
Classification: Uncertain significance for Neurofibromatosis, type 1; Neurofibromatosis, familial spinal; Café-au-lait macules with pulmonary stenosis; Neurofibromatosis-Noonan syndrome; Juvenile myelomonocytic leukemia. Last evaluated: 2021-09-30. Review status: criteria provided, single submitter. Criteria: ACMG Guidelines, 2015. Collection method: clinical testing. Allele origin: unknown.

PreventionGenetics, part of Exact Sciences
Classification: Uncertain significance for NF1-related condition. Last evaluated: 2024-03-04. Review status: no assertion criteria provided. Collection method: clinical testing. Allele origin: germline. Not counted in ClinVar's aggregate classification.
Comment: The NF1 c.7055A>G variant is predicted to result in the amino acid substitution p.Asn2352Ser. This variant has been reported in an individual with a history of breast cancer (Supplementary Data 1, Momozawa et al. 2018. PubMed ID: 30287823). This variant is reported in 0.0044% of alleles in individuals of European (Non-Finnish) descent in gnomAD. In ClinVar, this variant has been reported as likely benign and uncertain in ClinVar. At this time, the clinical significance of this variant is uncertain due to the absence of conclusive functional and genetic evidence.

Literature cited by the submitters: PubMed 30287823 (cited by Sema4); PubMed 29684080 (cited by Sema4); PubMed 33471991 (cited by Sema4).